The following is an entry in ClinVar:

NM_000179.3(MSH6):c.4001+1G>T

Gene: MSH6 (mutS homolog 6; plus strand). Cytogenetic location: 2p16.3.
Variant type: single nucleotide variant.
Coding change: c.4001+1G>T on transcript NM_000179.3 (MANE Select); the canonical splice donor site of the intron after coding-DNA position 4001, G replaced by T.
Molecular consequence: splice donor variant. On other transcripts: intron variant (1).
Genome position (GRCh38, 1-based): chr2:47,806,652, G>T. VCF-style: chr2-47806652-G-T. GRCh37 (hg19) VCF-style: chr2-48033791-G-T.
Other names: c.4007+1G>T (NM_001406813.1); c.3476+1G>T (NM_001406807.1, NM_001406799.1, NM_001406806.1); c.3827+1G>T (NM_001406798.1); c.3137+1G>T (NM_001406803.1); c.2435+1G>T (NM_001406817.1); c.1946+1G>T (NM_001407362.1); c.*22+1G>T (NM_001406800.1); c.3095+1G>T (NM_001406814.1, NM_001406811.1, NM_001281493.2 and 6 more transcripts); and 9 more.
Identifiers: ClinVar variation 1736936 (VCV001736936.2), dbSNP rs1114167729, ClinGen allele CA346761613.
Genomic context (GRCh38, chr2:47,806,652, plus strand): 5'-AAAGGGACATAGAAAAGCAAGAGAATTTGAGAAGATGAATCAGTCACTACGATTATTTCG[G>T]TAACTAACTAACTATAATGGAATTATAACTAACTGACCTTAAGTTTCAAAGAAACAGTAA-3'

ClinVar aggregate classification (germline): Likely pathogenic (1 of 4 stars; one submission).

Conditions:
Hereditary cancer-predisposing syndrome. Also called: Neoplastic Syndromes, Hereditary; Tumor predisposition; Hereditary Cancer Syndrome; Hereditary neoplastic syndrome. Identifiers: Orphanet 140162, MedGen C0027672, MeSH D009386, MONDO:0015356.

Submission:

Ambry Genetics
Classification: Likely pathogenic for Hereditary cancer-predisposing syndrome. Last evaluated: 2022-09-26. Review status: criteria provided, single submitter. Criteria: Ambry Variant Classification Scheme 2023. Collection method: clinical testing. Allele origin: germline.
Comment: The c.4001+1G>T intronic variant results from a G to T substitution one nucleotide after coding exon 9 of the MSH6 gene. This variant has been identified as somatic in conjunction with a germline MSH6 variant of unknown significance in an endometrioid ovarian tumor that demonstrated loss of MSH6 expression by immunohistochemistry (Barbosa A et al. Cancers (Basel), 2020 Sep;12:). This alteration occurs at the 3' terminus of the MSH6 gene, is not expected to trigger nonsense-mediated mRNA decay, and only impacts the last 93 AA of the protein. The exact functional effect of this alteration is unknown; however, the impacted region is critical for protein function (Ambry internal data). This variant is considered to be rare based on population cohorts in the Genome Aggregation Database (gnomAD). This nucleotide position is highly conserved in available vertebrate species. In silico splice site analysis predicts that this alteration will weaken the native splice donor site. RNA studies have demonstrated that this alteration results in abnormal splicing in the set of samples tested (Ambry internal data). Based on the majority of available evidence to date, this variant is likely to be pathogenic.

Literature cited by the submitters: PubMed 33008098.